The following is an entry in ClinVar:

ClinVar aggregate classification (germline): Benign/Likely benign. Review status: criteria provided, multiple submitters, no conflicts (2 of 4 stars). 3 submissions from 3 submitters: Benign (1); Likely benign (2). Last evaluated 2025-11-09.

Conditions:
Hereditary cancer-predisposing syndrome. Also called: Neoplastic Syndromes, Hereditary; Tumor predisposition; Hereditary Cancer Syndrome; Hereditary neoplastic syndrome. Identifiers: Orphanet 140162, MedGen C0027672, MeSH D009386, MONDO:0015356.
Familial cancer of breast. Also called: BREAST CANCER, FAMILIAL; Hereditary breast cancer; hereditary breast carcinoma. Identifiers: Orphanet 227535, MedGen C0346153, MONDO:0016419, OMIM 114480. Disease mechanism: loss of function.

Allele frequency attached by ClinVar (database versions not stated): TOPMed 0.00001.

Submissions (3):

Labcorp Genetics (formerly Invitae), Labcorp
Classification: Likely benign for Familial cancer of breast. Last evaluated: 2025-11-09. Review status: criteria provided, single submitter. Criteria: Invitae Variant Classification Sherloc (09022015). Collection method: clinical testing. Allele origin: germline.

Myriad Genetics, Inc.
Classification: Benign for Familial cancer of breast. Last evaluated: 2024-10-02. Review status: criteria provided, single submitter. Criteria: Myriad Autosomal Dominant, Autosomal Recessive and X-Linked Classification Criteria (2023). Collection method: clinical testing. Allele origin: unknown.
Comment: This variant is considered benign. This variant is a silent/synonymous amino acid change and it is not expected to impact splicing.

Ambry Genetics
Classification: Likely benign for Hereditary cancer-predisposing syndrome. Last evaluated: 2021-06-07. Review status: criteria provided, single submitter. Criteria: Ambry Variant Classification Scheme 2023. Collection method: clinical testing. Allele origin: germline.

NM_007194.4(CHEK2):c.372C>T (p.Cys124=)

Gene: CHEK2 (checkpoint kinase 2; minus strand). Cytogenetic location: 22q12.1.
Variant type: single nucleotide variant.
Coding change: c.372C>T on transcript NM_007194.4 (MANE Select); coding-DNA position 372, C replaced by T.
Protein change: p.Cys124=; no amino-acid change (cysteine 124 retained).
Molecular consequence: synonymous variant.
Genome position (GRCh38, 1-based): chr22:28,725,315, G>A on the plus strand (C>T on the coding strand, the complement: CHEK2 is on the minus strand). VCF-style: chr22-28725315-G-A. GRCh37 (hg19) VCF-style: chr22-29121303-G-A.
Other names: c.501C>T, p.Cys167= (NM_001005735.3); c.-406C>T (NM_001257387.3); c.372C>T, p.Cys124= (NM_001349956.3, NM_145862.3).
Identifiers: ClinVar variation 1734371 (VCV001734371.4), dbSNP rs1555927291, ClinGen allele CA513945296.